The following is an entry in ClinVar:

NM_001130987.2(DYSF):c.4135T>C (p.Cys1379Arg)

Gene: DYSF (dysferlin; plus strand). Cytogenetic location: 2p13.2.
Variant type: single nucleotide variant.
Coding change: c.4135T>C on transcript NM_001130987.2 (MANE Select); coding-DNA position 4135, T replaced by C.
Protein change: p.Cys1379Arg; replaces cysteine 1379 with arginine.
Molecular consequence: missense variant.
Genome position (GRCh38, 1-based): chr2:71,611,540, T>C. VCF-style: chr2-71611540-T-C. GRCh37 (hg19) VCF-style: chr2-71838670-T-C.
Other names: c.4084T>C, p.Cys1362Arg (NM_001130455.2, NM_001130983.2); c.4039T>C, p.Cys1347Arg (NM_001130976.2, NM_001130977.2); c.4081T>C, p.Cys1361Arg (NM_001130978.2, NM_003494.4); c.4174T>C, p.Cys1392Arg (NM_001130979.2); c.4132T>C, p.Cys1378Arg (NM_001130980.2, NM_001130981.2); c.4177T>C, p.Cys1393Arg (NM_001130982.2); c.4042T>C, p.Cys1348Arg (NM_001130984.2, NM_001130986.2); c.4135T>C, p.Cys1379Arg (NM_001130985.2); short protein forms C1361R, C1379R, C1393R, C1347R, C1362R, C1348R, C1378R, C1392R.
Identifiers: ClinVar variation 500922 (VCV000500922.12), dbSNP rs776472879, ClinGen allele CA1706900.

ClinVar aggregate classification (germline): Pathogenic/Likely pathogenic. Review status: criteria provided, multiple submitters, no conflicts (2 of 4 stars). 5 submissions from 5 submitters: Pathogenic (4); Likely pathogenic (1). Last evaluated 2025-02-05.

Conditions:
Autosomal recessive limb-girdle muscular dystrophy. Identifiers: Orphanet 102015, MedGen C2931907, MONDO:0015152.
Miyoshi muscular dystrophy 1 (MMD1). Identifiers: Orphanet 45448, MedGen C4551973, MONDO:0024545, OMIM 254130.
Autosomal recessive limb-girdle muscular dystrophy type 2B (LGMDR2). Also called: MUSCULAR DYSTROPHY, LIMB-GIRDLE, AUTOSOMAL RECESSIVE 2; MUSCULAR DYSTROPHY, LIMB-GIRDLE, TYPE 3; Limb-girdle muscular dystrophy, type 2B; Limb-Girdle Muscular Dystrophy Type 2B (LGMD2B). Identifiers: Orphanet 268, MedGen C1850889, MONDO:0009676, OMIM 253601.
Distal myopathy with anterior tibial onset. Identifiers: Orphanet 178400, MedGen C1847532, MONDO:0011721, OMIM 606768.
Neuromuscular disease caused by qualitative or quantitative defects of dysferlin. Also called: Dysferlinopathy; Qualitative or quantitative defects of dysferlin. Identifiers: Orphanet 207073, MedGen C2931687, MONDO:0016145.

Allele frequency attached by ClinVar (database versions not stated): gnomAD exomes 0.00001; ExAC 0.00001.
gnomAD v4.1: 3 of 1,613,434 alleles (0.00019%); highest among the groups gnomAD compares: South Asian, 0.0011%; no homozygotes.

Submissions (5):

Natera, Inc.
Classification: Likely pathogenic for Limb-girdle muscular dystrophy type 2B. Last evaluated: 2025-02-05. Review status: criteria provided, single submitter. Criteria: Natera Variant Classification Schema (03/2026). Collection method: clinical testing. Allele origin: germline.
Comment: The c.4081T>C variant in DYSF is a missense variant predicted to cause substitution of cysteine to arginine at amino acid 1361. This variant is rare in the general population with a frequency below the threshold expected for the associated phenotype(s). This variant has been observed in one or more individuals affected with the associated recessive disease, as either homozygous or compound heterozygous with a second variant (PMID: 21522182, 17994539, 17932988, 35135626). This variant has been identified in one or more affected individual with a phenotype highly consistent with the associated gene (PMID: 21522182, 17994539, 17932988, 35135626). Computational prediction algorithms indicate this variant is likely to affect gene or protein function. Given the available evidence, this variant is classified as Likely Pathogenic.

Fulgent Genetics
Classification: Pathogenic for Autosomal recessive limb-girdle muscular dystrophy type 2B; Miyoshi muscular dystrophy 1; Distal myopathy with anterior tibial onset. Last evaluated: 2024-05-10. Review status: criteria provided, single submitter. Criteria: ACMG Guidelines, 2015. Collection method: clinical testing. Allele origin: germline.

Women's Health and Genetics/Laboratory Corporation of America, LabCorp
Classification: Pathogenic for Autosomal recessive limb-girdle muscular dystrophy. Last evaluated: 2024-05-08. Review status: criteria provided, single submitter. Criteria: LabCorp Variant Classification Summary - May 2015. Collection method: clinical testing. Allele origin: germline.
Comment: Variant summary: DYSF c.4081T>C (p.Cys1361Arg) results in a non-conservative amino acid change located in the C2 domain (IPR000008) of the encoded protein sequence. Five of five in-silico tools predict a damaging effect of the variant on protein function. The variant allele was found at a frequency of 8e-06 in 251336 control chromosomes. c.4081T>C has been reported in the literature in multiple individuals affected with Limb-Girdle Muscular Dystrophy, Autosomal Recessive and related disorders (Cacciottolo_2011, Kawabe_2004, Charnay_2021, Guglieri_2008). These data indicate that the variant is very likely to be associated with disease. To our knowledge, no experimental evidence demonstrating an impact on protein function has been reported. The following publications have been ascertained in the context of this evaluation (PMID: 21522182, 33927379, 17994539, 15469449).ClinVar contains an entry for this variant (Variation ID: 500922). Based on the evidence outlined above, the variant was classified as pathogenic.

Labcorp Genetics (formerly Invitae), Labcorp
Classification: Pathogenic for Neuromuscular disease caused by qualitative or quantitative defects of dysferlin. Last evaluated: 2023-11-14. Review status: criteria provided, single submitter. Criteria: Invitae Variant Classification Sherloc (09022015). Collection method: clinical testing. Allele origin: germline.
Comment: This sequence change replaces cysteine, which is neutral and slightly polar, with arginine, which is basic and polar, at codon 1361 of the DYSF protein (p.Cys1361Arg). This variant is present in population databases (rs776472879, gnomAD 0.002%). This missense change has been observed in individual(s) with DYSF-related conditions (PMID: 15469449, 21522182, 33927379). ClinVar contains an entry for this variant (Variation ID: 500922). Advanced modeling of protein sequence and biophysical properties (such as structural, functional, and spatial information, amino acid conservation, physicochemical variation, residue mobility, and thermodynamic stability) has been performed at Invitae for this missense variant, however the output from this modeling did not meet the statistical confidence thresholds required to predict the impact of this variant on DYSF protein function. For these reasons, this variant has been classified as Pathogenic.

Eurofins Ntd Llc (ga)
Classification: Pathogenic. Last evaluated: 2017-03-17. Review status: criteria provided, single submitter. Criteria: EGL Classification Definitions 2015. Collection method: clinical testing. Allele origin: germline. Observed: 1 variant allele, 1 heterozygote.

Literature cited by the submitters: PubMed 21522182 (cited by 4 submitters); PubMed 17994539 (cited by 3 submitters); PubMed 17932988 (cited by Natera, Inc. and Eurofins Ntd Llc (ga)); PubMed 35135626 (cited by Natera, Inc.); PubMed 33927379 (cited by Women's Health and Genetics/Laboratory Corporation of America, LabCorp and Labcorp Genetics (formerly Invitae), Labcorp); PubMed 15469449 (cited by 3 submitters).